The following is an entry in ClinVar:

ClinVar aggregate classification (germline): Uncertain significance (1 of 4 stars; one submission).

gnomAD v4.1: 1 of 1,614,170 alleles (0.000062%); highest among the groups gnomAD compares: Non-Finnish European, 0.000085%; no homozygotes.

Submission:

Labcorp Genetics (formerly Invitae), Labcorp
Classification: Uncertain significance. Last evaluated: 2025-11-25. Review status: criteria provided, single submitter. Criteria: Invitae Variant Classification Sherloc (09022015). Collection method: clinical testing. Allele origin: germline.
Comment: This sequence change replaces glycine, which is neutral and non-polar, with valine, which is neutral and non-polar, at codon 1691 of the TCF20 protein (p.Gly1691Val). This variant is not present in population databases (gnomAD no frequency). This variant has not been reported in the literature in individuals affected with TCF20-related conditions. An algorithm developed to predict the effect of missense changes on protein structure and function (PolyPhen-2) suggests that this variant is likely to be disruptive. In summary, the available evidence is currently insufficient to determine the role of this variant in disease. Therefore, it has been classified as a Variant of Uncertain Significance.

NM_001378418.1(TCF20):c.5072G>T (p.Gly1691Val)

Gene: TCF20 (transcription factor 20; minus strand). Cytogenetic location: 22q13.2.
Variant type: single nucleotide variant.
Coding change: c.5072G>T on transcript NM_001378418.1 (MANE Select); coding-DNA position 5072, G replaced by T.
Protein change: p.Gly1691Val; replaces glycine 1691 with valine.
Molecular consequence: missense variant.
Genome position (GRCh38, 1-based): chr22:42,210,234, C>A on the plus strand (G>T on the coding strand, the complement: TCF20 is on the minus strand). VCF-style: chr22-42210234-C-A. GRCh37 (hg19) VCF-style: chr22-42606240-C-A.
Other names: c.5072G>T, p.Gly1691Val (NM_005650.4, NM_181492.3); short protein forms G1691V.
Identifiers: ClinVar variation 4778182 (VCV004778182.1).